The following is an entry in ClinVar:

NM_005560.6(LAMA5):c.1390G>A (p.Gly464Ser)

Gene: LAMA5 (laminin subunit alpha 5; minus strand). Cytogenetic location: 20q13.33.
Variant type: single nucleotide variant.
Coding change: c.1390G>A on transcript NM_005560.6 (MANE Select); coding-DNA position 1390, G replaced by A.
Protein change: p.Gly464Ser; replaces glycine 464 with serine.
Molecular consequence: missense variant.
Genome position (GRCh38, 1-based): chr20:62,346,108, C>T on the plus strand (G>A on the coding strand, the complement: LAMA5 is on the minus strand). VCF-style: chr20-62346108-C-T. GRCh37 (hg19) VCF-style: chr20-60921164-C-T.
Other names: short protein forms G464S.
Identifiers: ClinVar variation 3537019 (VCV003537019.14).
Genomic context (GRCh38, chr20:62,346,108, plus strand): 5'-GTGTCTGTTTGGATGCCCCTGGCAGGTGCTCACGGTAGCAGCTTGGGAAGCCCGTGAAGC[C>T]CTCGGCACACACGTCACACCGCTCCCCAGAGAAGTTGGGCCGGCAGTAGCATCGACCCGT-3'
Protein context (NP_005551.3, residues 454-474): SGERCDVCAE[Gly464Ser]FTGFPSCYPT

ClinVar aggregate classification (germline): Uncertain significance. Review status: criteria provided, multiple submitters, no conflicts (2 of 4 stars). 2 submissions from 2 submitters: Uncertain significance (2). Last evaluated 2025-01-01.

Conditions:
Inborn genetic diseases. Identifiers: MedGen C0950123, MeSH D030342.

Submissions (2):

CeGaT Center for Human Genetics Tuebingen
Classification: Uncertain significance. Last evaluated: 2025-01-01. Review status: criteria provided, single submitter. Criteria: CeGaT Center For Human Genetics Tuebingen Variant Classification Criteria Version 2. Collection method: clinical testing. Allele origin: germline. Affected: yes. Observed: 1 variant allele.
Comment: LAMA5: PM2

Ambry Genetics
Classification: Uncertain significance for Inborn genetic diseases. Last evaluated: 2024-09-03. Review status: criteria provided, single submitter. Criteria: Ambry Variant Classification Scheme 2023. Collection method: clinical testing. Allele origin: germline.